The following is an entry in ClinVar:

NM_000238.4(KCNH2):c.3349T>A (p.Cys1117Ser)

Gene: KCNH2 (potassium voltage-gated channel subfamily H member 2; minus strand). Cytogenetic location: 7q36.1.
Variant type: single nucleotide variant.
Coding change: c.3349T>A on transcript NM_000238.4 (MANE Select); coding-DNA position 3349, T replaced by A.
Protein change: p.Cys1117Ser; replaces cysteine 1117 with serine.
Molecular consequence: missense variant. On other transcripts: non-coding transcript variant (2).
Genome position (GRCh38, 1-based): chr7:150,945,496, A>T on the plus strand (T>A on the coding strand, the complement: KCNH2 is on the minus strand). VCF-style: chr7-150945496-A-T. GRCh37 (hg19) VCF-style: chr7-150642584-A-T.
Other names: c.3061T>A, p.Cys1021Ser (NM_001406753.1); c.2329T>A, p.Cys777Ser (NM_172057.3); short protein forms C1117S, C1021S, C777S.
Identifiers: ClinVar variation 3393735 (VCV003393735.1).

ClinVar aggregate classification (germline): Uncertain significance (1 of 4 stars; one submission).

Submission:

GeneDx
Classification: Uncertain significance. Last evaluated: 2024-07-05. Review status: criteria provided, single submitter. Criteria: GeneDx Variant Classification Process June 2021. Collection method: clinical testing. Allele origin: germline. Affected: yes.
Comment: Not observed at significant frequency in large population cohorts (gnomAD); In silico analysis indicates that this missense variant does not alter protein structure/function; Has not been previously published as pathogenic or benign to our knowledge; This variant is associated with the following publications: (PMID: 34930020)